The following is an entry in ClinVar:

ClinVar aggregate classification (germline): Conflicting classifications of pathogenicity. Review status: criteria provided, conflicting classifications (1 of 4 stars). 3 submissions from 3 submitters: Uncertain significance (2); Likely benign (1). Last evaluated 2026-09-01.

Conditions:
Noonan syndrome and Noonan-related syndrome. Identifiers: Orphanet 98733, MedGen C5681679, MONDO:0020297.

Submissions (3):

CeGaT Center for Human Genetics Tuebingen
Classification: Likely benign. Last evaluated: 2026-09-01. Review status: criteria provided, single submitter. Criteria: CeGaT Center For Human Genetics Tuebingen Variant Classification Criteria Version 2. Collection method: clinical testing. Allele origin: germline. Affected: yes. Observed: 48 variant alleles.
Comment: CBL: BS1

Genome Diagnostics Laboratory, The Hospital for Sick Children
Classification: Uncertain significance for Noonan syndrome and Noonan-related syndrome. Last evaluated: 2017-01-11. Review status: criteria provided, single submitter. Criteria: ACMG Guidelines, 2015. Collection method: clinical testing. Allele origin: germline.

Breakthrough Genomics
Classification: Uncertain significance. Review status: criteria provided, single submitter. Criteria: ACMG Guidelines, 2015. Collection method: not provided. Allele origin: germline. Inheritance: Autosomal dominant inheritance. Affected: yes.

NM_005188.3(CBL):c.-126_-125insTGGCGGCGGCGGCGGCGG

Genes: FRA11B (fragile site, folic acid type, rare, fra(11)(q23.3); plus strand), CBL (Cbl proto-oncogene; plus strand), LOC130006894 (ATAC-STARR-seq lymphoblastoid silent region 3974; plus strand). Cytogenetic location: 11q23.3.
Variant type: Insertion.
Coding change: c.-126_-125insTGGCGGCGGCGGCGGCGG on transcript NM_005188.3; 126 bases upstream of the start codon through 125 bases upstream of the start codon, TGGCGGCGGCGGCGGCGG inserted.
Genome position: GRCh38 VCF-style: chr11-119206289-C-CCGGTGGCGGCGGCGGCGG. GRCh37 (hg19) VCF-style: chr11-119076999-C-CCGGTGGCGGCGGCGGCGG.
Identifiers: ClinVar variation 302763 (VCV000302763.24), dbSNP rs758396206, ClinGen allele CA10629947.
Genomic context (GRCh38, chr11:119,206,289, plus strand): 5'-GCGCACTCCCGGCGCCGCCCACTCCCCTCCCCACGGCCGCTCCTCCCTCCGCCCGGATAG[C>CCGGTGGCGGCGGCGGCGG]CGGCGGCGGCGGCGGCGGCGGCGGCGGCGGCGGCCGGGAGAGGCCCCTCCTTCACGCCCT-3'